The following is an entry in ClinVar:

ClinVar aggregate classification (germline): Uncertain significance. Review status: criteria provided, multiple submitters, no conflicts (2 of 4 stars). 4 submissions from 4 submitters: Uncertain significance (4). Last evaluated 2024-09-06.

Conditions:
Developmental and epileptic encephalopathy, 11 (DEE11). Also called: Early infantile epileptic encephalopathy 11. Identifiers: Orphanet 1934, MedGen C3150987, MONDO:0013388, OMIM 613721.
Seizures, benign familial infantile, 3 (BFIS3). Also called: CONVULSIONS, BENIGN FAMILIAL INFANTILE, 3; Familial neonatal seizures. Identifiers: Orphanet 140927, Orphanet 306, MedGen C1843140, MONDO:0011904, OMIM 607745.

Allele frequency attached by ClinVar (database versions not stated): ExAC 0.00001; gnomAD exomes 0.00001.

Submissions (4):

Labcorp Genetics (formerly Invitae), Labcorp
Classification: Uncertain significance for Seizures, benign familial infantile, 3; Developmental and epileptic encephalopathy, 11. Last evaluated: 2024-09-06. Review status: criteria provided, single submitter. Criteria: Invitae Variant Classification Sherloc (09022015). Collection method: clinical testing. Allele origin: germline.
Comment: This sequence change replaces alanine, which is neutral and non-polar, with valine, which is neutral and non-polar, at codon 1909 of the SCN2A protein (p.Ala1909Val). This variant is present in population databases (rs772819993, gnomAD 0.01%). This variant has not been reported in the literature in individuals affected with SCN2A-related conditions. ClinVar contains an entry for this variant (Variation ID: 1387568). Invitae Evidence Modeling of protein sequence and biophysical properties (such as structural, functional, and spatial information, amino acid conservation, physicochemical variation, residue mobility, and thermodynamic stability) indicates that this missense variant is expected to disrupt SCN2A protein function with a positive predictive value of 95%. In summary, the available evidence is currently insufficient to determine the role of this variant in disease. Therefore, it has been classified as a Variant of Uncertain Significance.

GeneDx
Classification: Uncertain significance. Last evaluated: 2023-09-11. Review status: criteria provided, single submitter. Criteria: GeneDx Variant Classification Process June 2021. Collection method: clinical testing. Allele origin: germline. Affected: yes.
Comment: In silico analysis supports that this missense variant has a deleterious effect on protein structure/function; This substitution is predicted to be within the C-terminal cytoplasmic domain; Missense variants in this gene are often considered pathogenic (HGMD); Has not been previously published as pathogenic or benign to our knowledge

Revvity Omics, Revvity
Classification: Uncertain significance. Last evaluated: 2022-02-03. Review status: criteria provided, single submitter. Criteria: ACMG Guidelines, 2015. Collection method: clinical testing. Allele origin: germline.

Foundation for Research in Genetics and Endocrinology, FRIGE's Institute of Human Genetics
Classification: Uncertain significance for Developmental and epileptic encephalopathy, 11. Last evaluated: 2021-05-03. Review status: criteria provided, single submitter. Criteria: ACMG Guidelines, 2015. Collection method: research. Allele origin: maternal. Inheritance: Autosomal dominant inheritance. Affected: yes. Observed: 1 heterozygote.
Comment: A heterozygous missense variation in exon 27 of the SCN2A gene that results in the amino acid substitution of Valine for Alanine at codon 1909 was detected. The observed variant c.5726C>T (p.Ala1909Val) has not been reported in the 1000 genomes and gnomAD databases and has a minor allele frequency of 0.0012% in the gnomAD databases. The in silico prediction of the variant are damaging by DANN, FATHMM, SIFT, LRT and MutationTaster2 and intolerant by MetaDome. The reference codon is conserved across species. In summary, the variant meets our criteria to be classified as a variant of uncertain significance.

NM_001040142.2(SCN2A):c.5726C>T (p.Ala1909Val)

Gene: SCN2A (sodium voltage-gated channel alpha subunit 2; plus strand). Cytogenetic location: 2q24.3.
Variant type: single nucleotide variant.
Coding change: c.5726C>T on transcript NM_001040142.2 (MANE Select); coding-DNA position 5726, C replaced by T.
Protein change: p.Ala1909Val; replaces alanine 1909 with valine.
Molecular consequence: missense variant.
Genome position (GRCh38, 1-based): chr2:165,389,532, C>T. VCF-style: chr2-165389532-C-T. GRCh37 (hg19) VCF-style: chr2-166246042-C-T.
Other names: p.Ala1909Val; c.5726C>T (NM_021007.2); c.5726C>T, p.Ala1909Val (NM_001040143.2, NM_001371246.1, NM_001371247.1 and 1 more transcripts); short protein forms A1909V.
Identifiers: ClinVar variation 1387568 (VCV001387568.12), dbSNP rs772819993, ClinGen allele CA1940418.